The following is an entry in ClinVar:

ClinVar aggregate classification (germline): Uncertain significance (1 of 4 stars; one submission).

Conditions:
Congenital portosystemic shunt. Identifiers: Orphanet 480531, MedGen C1290495, MONDO:0018811.

gnomAD v4.1: 12 of 1,614,188 alleles (0.00074%); highest among the groups gnomAD compares: East Asian, 0.0045%; no homozygotes.

Submission:

Department of Pediatrics, Graduate School of Medical Sciences, Kyushu University
Classification: Uncertain significance for Congenital portosystemic shunt. Last evaluated: 2026-02-27. Review status: criteria provided, single submitter. Criteria: ACMG Guidelines, 2015. Collection method: research. Allele origin: germline. Affected: yes.
Comment: Both variants are rare or absent in population databases such as gnomAD, and in silico prediction tools including CADD suggest potential deleterious effects. However, the relationship between this gene and CPSS has not been established. Therefore, the clinical significance of this variant is currently classified as a variant of uncertain significance (VUS).

NM_080860.4(RSPH1):c.145G>A (p.Glu49Lys)

Genes: RSPH1 (radial spoke head component 1; minus strand), LOC126653391 (CDK7 strongly-dependent group 2 enhancer GRCh37_chr21:43912470-43913669; plus strand). Cytogenetic location: 21q22.3.
Variant type: single nucleotide variant.
Coding change: c.145G>A on transcript NM_080860.4 (MANE Select); coding-DNA position 145, G replaced by A.
Protein change: p.Glu49Lys; replaces glutamic acid 49 with lysine.
Molecular consequence: missense variant. On other transcripts: intron variant (1).
Genome position (GRCh38, 1-based): chr21:42,492,989, C>T on the plus strand (G>A on the coding strand, the complement: RSPH1 is on the minus strand). VCF-style: chr21-42492989-C-T. GRCh37 (hg19) VCF-style: chr21-43913099-C-T.
Other names: c.55-126G>A (NM_001286506.2); short protein forms E49K.
Identifiers: ClinVar variation 4813092 (VCV004813092.1).